The following is an entry in ClinVar:

NM_001146262.4(SYT14):c.587A>G (p.Asn196Ser)

Gene: SYT14 (synaptotagmin 14; plus strand). Cytogenetic location: 1q32.2.
Variant type: single nucleotide variant.
Coding change: c.587A>G on transcript NM_001146262.4 (MANE Select); coding-DNA position 587, A replaced by G.
Protein change: p.Asn196Ser; replaces asparagine 196 with serine.
Molecular consequence: missense variant. On other transcripts: non-coding transcript variant (1).
Genome position (GRCh38, 1-based): chr1:210,094,466, A>G. VCF-style: chr1-210094466-A-G. GRCh37 (hg19) VCF-style: chr1-210267811-A-G.
Other names: c.722A>G, p.Asn241Ser (NM_001146261.4, NM_001146264.4); c.473A>G, p.Asn158Ser (NM_001256006.3); c.1457A>G, p.Asn486Ser (NM_001397544.1, NM_001397545.1); c.587A>G, p.Asn196Ser (NM_153262.5); short protein forms N158S, N241S, N196S, N486S.
Identifiers: ClinVar variation 805536 (VCV000805536.6), dbSNP rs200087065, ClinGen allele CA1378299.
Genomic context (GRCh38, chr1:210,094,466, plus strand): 5'-ATCTGTCATGTACACCCTCAGAAATTGGGGACAGTAAATGTGAATTTTCCCACTGCAGCA[A>G]CAGTCCAAGATGCTCATATAACAAGTGCCCAAGTGAAGGAAGCACAGGTCATGAAATAGA-3'
Protein context (NP_001139734.1, residues 186-206): DSKCEFSHCS[Asn196Ser]SPRCSYNKCP

ClinVar aggregate classification (germline): Uncertain significance. Review status: criteria provided, multiple submitters, no conflicts (2 of 4 stars). 2 submissions from 2 submitters: Uncertain significance (2). Last evaluated 2024-03-05.

Allele frequency attached by ClinVar (database versions not stated): gnomAD 0.00003; TOPMed 0.00003; ExAC 0.00021; gnomAD exomes 0.00012.
gnomAD v4.1: 123 of 1,613,884 alleles (0.0076%); highest among the groups gnomAD compares: Non-Finnish European, 0.0092%; no homozygotes.

Submissions (2):

Athena Diagnostics
Classification: Uncertain significance. Last evaluated: 2024-03-05. Review status: criteria provided, single submitter. Criteria: Athena Diagnostics Criteria. Collection method: clinical testing. Allele origin: unknown.
Comment: Available data are insufficient to determine the clinical significance of the variant at this time. The frequency of this variant in the general population is higher than would generally be expected for pathogenic variants in this gene. Computational tools predict that this variant is not damaging.

Ambry Genetics
Classification: Uncertain significance. Last evaluated: 2022-06-21. Review status: criteria provided, single submitter. Criteria: Ambry Variant Classification Scheme 2023. Collection method: clinical testing. Allele origin: germline.